The following is an entry in ClinVar:

ClinVar aggregate classification (germline): Uncertain significance (1 of 4 stars; one submission).

Conditions:
BBS12-related disorder. Also called: BBS12-related condition.

gnomAD v4.1: 5 of 1,605,508 alleles (0.00031%); highest among the groups gnomAD compares: East Asian, 0.0045%; no homozygotes.

Submission:

PreventionGenetics, part of Exact Sciences
Classification: Uncertain significance for BBS12-related condition. Last evaluated: 2026-09-03. Review status: criteria provided, single submitter. Criteria: ACMG Guidelines, 2015. Collection method: clinical testing. Allele origin: germline.
Comment: The BBS12 c.2015C>T variant is predicted to result in the amino acid substitution p.Ala672Val. To our knowledge, this variant has not been reported in the literature. This variant is reported in 0.0055% of alleles in individuals of East Asian descent in gnomAD.At this time, the clinical significance of this variant is uncertain due to the absence of conclusive functional and genetic evidence.

NM_152618.3(BBS12):c.2015C>T (p.Ala672Val)

Gene: BBS12 (Bardet-Biedl syndrome 12; plus strand). Cytogenetic location: 4q27.
Variant type: single nucleotide variant.
Coding change: c.2015C>T on transcript NM_152618.3 (MANE Select); coding-DNA position 2015, C replaced by T.
Protein change: p.Ala672Val; replaces alanine 672 with valine.
Molecular consequence: missense variant.
Genome position (GRCh38, 1-based): chr4:122,743,907, C>T. VCF-style: chr4-122743907-C-T. GRCh37 (hg19) VCF-style: chr4-123665062-C-T.
Other names: c.2015C>T, p.Ala672Val (NM_001178007.2); short protein forms A672V.
Identifiers: ClinVar variation 4988638 (VCV004988638.1).